The following is an entry in ClinVar:

ClinVar aggregate classification (germline): Conflicting classifications of pathogenicity. Review status: criteria provided, conflicting classifications (1 of 4 stars). 6 submissions from 6 submitters: Uncertain significance (5); Likely benign (1). Last evaluated 2026-04-22.

Conditions:
Euthyroid goiter (MNG1). Also called: Goiter, multinodular 1, with or without Sertoli-Leydig cell tumors; GOITER, NONTOXIC, WITH INTRATHYROIDAL CALCIFICATION; MULTINODULAR GOITER, ADOLESCENT; SIMPLE GOITER. Identifiers: Orphanet 276399, MedGen C0302859, MONDO:0007681, OMIM 138800, HP:0009798.
Rhabdomyosarcoma, embryonal, 2 (RMSE2). Identifiers: MedGen C1867234, MONDO:0859046, OMIM 180295.
Pleuropulmonary blastoma (PPB). Identifiers: Orphanet 64742, MedGen C1266144, MONDO:0011014, OMIM 601200, HP:0100528.
Global developmental delay - lung cysts - overgrowth - Wilms tumor syndrome. Also called: GLOW Syndrome; GLOBAL DEVELOPMENTAL DELAY, LUNG CYSTS, OVERGROWTH, AND WILMS TUMOR. Identifiers: Orphanet 404476, MedGen C4748924, MONDO:0018445, OMIM 618272.
DICER1-related tumor predisposition. Also called: DICER1-related pleuropulmonary blastoma cancer predisposition syndrome; DICER1 syndrome. Identifiers: Orphanet 284343, MedGen C3839822, MONDO:0100216.
Hereditary cancer-predisposing syndrome. Also called: Tumor predisposition; Hereditary neoplastic syndrome; Neoplastic Syndromes, Hereditary; Hereditary Cancer Syndrome. Identifiers: Orphanet 140162, MedGen C0027672, MeSH D009386, MONDO:0015356.

Allele frequency attached by ClinVar (database versions not stated): gnomAD 0.00001; ExAC 0.00002; gnomAD exomes 0.00001 and below 0.00001; 1000 Genomes Project 30x 0.00031; 1000 Genomes Project 0.00020.
gnomAD v4.1: 9 of 1,610,834 alleles (0.00056%); highest among the groups gnomAD compares: Admixed American, 0.005%; no homozygotes.

Submissions (6):

Ambry Genetics
Classification: Uncertain significance for Hereditary cancer-predisposing syndrome. Last evaluated: 2026-04-22. Review status: criteria provided, single submitter. Criteria: Ambry Variant Classification Scheme 2023. Collection method: clinical testing. Allele origin: germline.

Labcorp Genetics (formerly Invitae), Labcorp
Classification: Likely benign for DICER1-related tumor predisposition. Last evaluated: 2025-11-12. Review status: criteria provided, single submitter. Criteria: Invitae Variant Classification Sherloc (09022015). Collection method: clinical testing. Allele origin: germline.

GeneDx
Classification: Uncertain significance. Last evaluated: 2025-05-27. Review status: criteria provided, single submitter. Criteria: GeneDx Variant Classification Process June 2021. Collection method: clinical testing. Allele origin: germline. Affected: yes.
Comment: Not observed at significant frequency in large population cohorts (gnomAD); In silico analysis suggests that this missense variant does not alter protein structure/function; Has not been previously published as pathogenic or benign to our knowledge

Fulgent Genetics
Classification: Uncertain significance for Euthyroid goiter; Rhabdomyosarcoma, embryonal, 2; Pleuropulmonary blastoma; Global developmental delay - lung cysts - overgrowth - Wilms tumor syndrome. Last evaluated: 2024-06-18. Review status: criteria provided, single submitter. Criteria: ACMG Guidelines, 2015. Collection method: clinical testing. Allele origin: germline.

Baylor Genetics
Classification: Uncertain significance for Global developmental delay - lung cysts - overgrowth - Wilms tumor syndrome. Last evaluated: 2023-11-20. Review status: criteria provided, single submitter. Criteria: ACMG Guidelines, 2015. Collection method: clinical testing. Allele origin: unknown.

Revvity Omics, Revvity
Classification: Uncertain significance. Last evaluated: 2021-09-01. Review status: criteria provided, single submitter. Criteria: ACMG Guidelines, 2015. Collection method: clinical testing. Allele origin: germline.

NM_177438.3(DICER1):c.776C>T (p.Pro259Leu)

Gene: DICER1 (dicer 1, ribonuclease III; minus strand). Cytogenetic location: 14q32.13.
Variant type: single nucleotide variant.
Coding change: c.776C>T on transcript NM_177438.3 (MANE Select); coding-DNA position 776, C replaced by T.
Protein change: p.Pro259Leu; replaces proline 259 with leucine.
Molecular consequence: missense variant.
Genome position (GRCh38, 1-based): chr14:95,126,707, G>A on the plus strand (C>T on the coding strand, the complement: DICER1 is on the minus strand). VCF-style: chr14-95126707-G-A. GRCh37 (hg19) VCF-style: chr14-95593044-G-A.
Other names: c.776C>T, p.Pro259Leu (NM_001195573.1, NM_001271282.3, NM_001291628.2 and 1 more transcripts); short protein forms P259L.
Identifiers: ClinVar variation 477286 (VCV000477286.23), dbSNP rs566464225, ClinGen allele CA7331568.